The following is an entry in ClinVar:

ClinVar aggregate classification (germline): Likely benign (1 of 4 stars; one submission).

gnomAD v4.1: 3 of 1,614,192 alleles (0.00019%); highest among the groups gnomAD compares: Non-Finnish European, 0.00025%; no homozygotes.

Submission:

Mayo Clinic Laboratories, Mayo Clinic
Classification: Likely benign. Last evaluated: 2025-07-23. Review status: criteria provided, single submitter. Criteria: ACMG Guidelines, 2015. Collection method: clinical testing. Allele origin: germline. Observed: 1 variant allele.
Comment: BS1_supporting, BP4_moderate

NM_201280.3(BLOC1S5):c.494A>G (p.Lys165Arg)

Genes: BLOC1S5 (biogenesis of lysosomal organelles complex 1 subunit 5; minus strand), BLOC1S5-TXNDC5 (BLOC1S5-TXNDC5 readthrough (NMD candidate); minus strand), EEF1E1-BLOC1S5 (EEF1E1-BLOC1S5 readthrough (NMD candidate); minus strand). Cytogenetic location: 6p24.3.
Variant type: single nucleotide variant.
Coding change: c.494A>G on transcript NM_201280.3 (MANE Select); coding-DNA position 494, A replaced by G.
Protein change: p.Lys165Arg; replaces lysine 165 with arginine.
Molecular consequence: missense variant. On other transcripts: non-coding transcript variant (1), 3 prime UTR variant (1).
Genome position (GRCh38, 1-based): chr6:8,015,719, T>C on the plus strand (A>G on the coding strand, the complement: BLOC1S5 is on the minus strand). VCF-style: chr6-8015719-T-C. GRCh37 (hg19) VCF-style: chr6-8015952-T-C.
Other names: p.Lys165Arg; c.302A>G, p.Lys101Arg (NM_001199322.1); c.*91A>G (NM_001199323.1); short protein forms K101R, K165R.
Identifiers: ClinVar variation 4684901 (VCV004684901.1).
Genomic context (GRCh38, chr6:8,015,719, plus strand): 5'-GAAAATTTCGCTAGGTCCTTCTCCATCTCAGCATATTGTTCTTTAAGCCTTTCCATGGCT[T>C]TTCTGTGCTCTTCATCCACTTCAGCCCTTTTGTTGGGTTGCTCCTTCATGAAGTTGTCCC-3'
Protein context (NP_958437.1, residues 155-175): KRAEVDEEHR[Lys165Arg]AMERLKEQYA